The following is an entry in ClinVar:

NM_006185.4(NUMA1):c.6279C>T (p.Thr2093=)

Genes: IL18BP (interleukin 18 binding protein; plus strand), NUMA1 (nuclear mitotic apparatus protein 1; minus strand). Cytogenetic location: 11q13.4.
Variant type: single nucleotide variant.
Coding change: c.6279C>T on transcript NM_006185.4 (MANE Select); coding-DNA position 6279, C replaced by T.
Protein change: p.Thr2093=; no amino-acid change (threonine 2093 retained).
Molecular consequence: synonymous variant. On other transcripts: non-coding transcript variant (1).
Genome position (GRCh38, 1-based): chr11:72,003,944, G>A on the plus strand (C>T on the coding strand, the complement: NUMA1 is on the minus strand). VCF-style: chr11-72003944-G-A. GRCh37 (hg19) VCF-style: chr11-71714990-G-A.
Other names: c.6237C>T, p.Thr2079= (NM_001286561.2).
Identifiers: ClinVar variation 3052529 (VCV003052529.2), dbSNP rs114134799, ClinGen allele CA6166412.
Genomic context (GRCh38, chr11:72,003,944, plus strand): 5'-TACCTTGCCCTTGGCTCGAGGGGTGGCACCAATGGCGGCAGCAGTGGCGGCGCTGGCTGT[G>A]GTGGTGGCAATGCGCGGAGAACGGCGGGTTCCACTGCGAGTGTTGGGGGAAGCCTTGGAC-3'
Protein context (NP_006176.2, residues 2083-2103): GTRRSPRIAT[Thr2093=]TASAATAAAI

ClinVar aggregate classification (germline): Likely benign (0 of 4 stars; one submission).

Conditions:
NUMA1-related disorder. Also called: NUMA1-related condition.

Allele frequency attached by ClinVar (database versions not stated): gnomAD exomes 0.00040; ExAC 0.00132; gnomAD 0.00435; ESP Exome Variant Server 0.00486; TOPMed 0.00491; 1000 Genomes Project 30x 0.00531; 1000 Genomes Project 0.00619.
gnomAD v4.1: 1,283 of 1,613,646 alleles (0.08%); highest among the groups gnomAD compares: African/African-American, 1.5%; 3 homozygotes.

Submission:

PreventionGenetics, part of Exact Sciences
Classification: Likely benign for NUMA1-related condition. Last evaluated: 2019-04-04. Review status: no assertion criteria provided. Collection method: clinical testing. Allele origin: germline.
Comment: This variant is classified as likely benign based on ACMG/AMP sequence variant interpretation guidelines (Richards et al. 2015 PMID: 25741868, with internal and published modifications).